The following is an entry in ClinVar:

NM_001083962.2(TCF4):c.656-5T>C

Gene: TCF4 (transcription factor 4; minus strand). Cytogenetic location: 18q21.2.
Variant type: single nucleotide variant.
Coding change: c.656-5T>C on transcript NM_001083962.2 (MANE Select); 5 bases into the intron before coding-DNA position 656, T replaced by C.
Molecular consequence: intron variant.
Genome position (GRCh38, 1-based): chr18:55,275,757, A>G on the plus strand (T>C on the coding strand, the complement: TCF4 is on the minus strand). VCF-style: chr18-55275757-A-G. GRCh37 (hg19) VCF-style: chr18-52942988-A-G.
Other names: c.443-5T>C (NM_001306208.1, NM_001243232.1); c.962-5T>C (NM_001243226.3); c.581-5T>C (NM_001369584.1, NM_001369576.1, NM_001369585.1 and 3 more transcripts); c.584-5T>C (NM_001369577.1, NM_001369582.1, NM_001243227.2 and 9 more transcripts); c.656-5T>C (NM_001369571.1, NM_001369567.1, NM_001369572.1 and 4 more transcripts); c.674-5T>C (NM_001243228.2); c.650-5T>C (NM_001243230.2); c.653-5T>C (NM_001369569.1, NM_001369573.1, NM_001369570.1); and 4 more.
Identifiers: ClinVar variation 1622261 (VCV001622261.11), dbSNP rs2061396253, ClinGen allele CA2305025189.

ClinVar aggregate classification (germline): Likely benign. Review status: criteria provided, multiple submitters, no conflicts (2 of 4 stars). 2 submissions from 2 submitters: Likely benign (2). Last evaluated 2026-03-05.

Conditions:
Pitt-Hopkins syndrome (PTHS). Also called: ENCEPHALOPATHY, SEVERE EPILEPTIC, WITH AUTONOMIC DYSFUNCTION; MENTAL RETARDATION, SYNDROMAL, WITH INTERMITTENT HYPERVENTILATION. Identifiers: Orphanet 2896, MedGen C1970431, MONDO:0012589, OMIM 610954.

Allele frequency attached by ClinVar (database versions not stated): TOPMed 0.00001.
gnomAD v4.1: 1 of 1,613,750 alleles (0.000062%); no homozygotes.

Submissions (2):

Dasa
Classification: Likely benign. Last evaluated: 2026-03-05. Review status: criteria provided, single submitter. Criteria: DASA Assertion Criteria. Collection method: clinical testing. Allele origin: germline.
Comment: NM_001083962.2(TCF4):c.656-5T>C is a splice-region variant. Computational prediction algorithms are consistent with a benign effect. Therefore, based on the currently available evidence, this variant is classified as likely benign.

Labcorp Genetics (formerly Invitae), Labcorp
Classification: Likely benign for Pitt-Hopkins syndrome. Last evaluated: 2023-07-09. Review status: criteria provided, single submitter. Criteria: Invitae Variant Classification Sherloc (09022015). Collection method: clinical testing. Allele origin: germline.